The following is an entry in ClinVar:

ClinVar aggregate classification (germline): Uncertain significance (1 of 4 stars; one submission).

Conditions:
Hereditary nonpolyposis colorectal neoplasms. Identifiers: MedGen C0009405, MeSH D003123.

Submission:

Labcorp Genetics (formerly Invitae), Labcorp
Classification: Uncertain significance for Hereditary nonpolyposis colorectal neoplasms. Last evaluated: 2022-08-07. Review status: criteria provided, single submitter. Criteria: Invitae Variant Classification Sherloc (09022015). Collection method: clinical testing. Allele origin: germline.
Comment: This variant, c.964_966del, results in the deletion of 1 amino acid(s) of the PMS2 protein (p.Val322del), but otherwise preserves the integrity of the reading frame. This variant is not present in population databases (gnomAD no frequency). This variant has not been reported in the literature in individuals affected with PMS2-related conditions. Experimental studies and prediction algorithms are not available or were not evaluated, and the functional significance of this variant is currently unknown. In summary, the available evidence is currently insufficient to determine the role of this variant in disease. Therefore, it has been classified as a Variant of Uncertain Significance.

NM_000535.7(PMS2):c.961GTT[1] (p.Val322del)

Gene: PMS2 (PMS1 homolog 2, mismatch repair system component; minus strand). Cytogenetic location: 7p22.1.
Variant type: Microsatellite.
Coding change: c.961GTT[1] on transcript NM_000535.7 (MANE Select); one copy of the 3-base unit GTT starting at c.961; the reference has two copies in a row; one copy, 3 bases deleted.
Protein change: p.Val322del; deletes valine 322.
Molecular consequence: inframe deletion. On other transcripts: inframe indel (46), non-coding transcript variant (1).
Genome position (GRCh38, 1-based): chr7:5,991,995-5,991,997, AAC deleted on the plus strand (GTT on the coding strand, the reverse complement: PMS2 is on the minus strand); deleting any 3 consecutive bases within chr7:5,991,995-5,992,002 gives the same sequence; the position shown is the placement nearest the transcript's 3' end. VCF-style (leftmost placement, unchanged base first): chr7-5991994-GAAC-G. GRCh37 (hg19) VCF-style: chr7-6031625-GAAC-G.
Other names: c.554_556TTG[1], p.Val187del (NM_001018040.1, NM_001406887.1, NM_001406888.1 and 15 more transcripts); c.556GTT[1], p.Val187del (NM_001322003.2, NM_001322004.2, NM_001322005.2 and 2 more transcripts); c.961GTT[1], p.Val322del (NM_001322006.2, NM_001322014.2); c.643GTT[1], p.Val216del (NM_001322007.2, NM_001322008.2); c.28GTT[1], p.Val11del (NM_001322011.2, NM_001322012.2); c.388GTT[1], p.Val131del (NM_001322013.2); c.652GTT[1], p.Val219del (NM_001322015.2); c.1145_1147TTG[1], p.Val384del (NM_001406866.1); and 12 more; short protein forms V200del, V210del, V131del, V256del, V322del, V384del, V187del, V216del.
Identifiers: ClinVar variation 2022112 (VCV002022112.1), dbSNP rs2536007444, ClinGen allele CA2580615843.